The following is an entry in ClinVar:

NM_001029883.3(PCARE):c.644T>G (p.Leu215Arg)

Gene: PCARE (photoreceptor cilium actin regulator; minus strand). Cytogenetic location: 2p23.2.
Variant type: single nucleotide variant.
Coding change: c.644T>G on transcript NM_001029883.3 (MANE Select); coding-DNA position 644, T replaced by G.
Protein change: p.Leu215Arg; replaces leucine 215 with arginine.
Molecular consequence: missense variant.
Genome position (GRCh38, 1-based): chr2:29,073,618, A>C on the plus strand (T>G on the coding strand, the complement: PCARE is on the minus strand). VCF-style: chr2-29073618-A-C. GRCh37 (hg19) VCF-style: chr2-29296484-A-C.
Other names: short protein forms L215R.
Identifiers: ClinVar variation 2650787 (VCV002650787.24), dbSNP rs187815594, ClinGen allele CA346481853.

ClinVar aggregate classification (germline): Uncertain significance (1 of 4 stars; one submission).

Submission:

CeGaT Center for Human Genetics Tuebingen
Classification: Uncertain significance. Last evaluated: 2023-02-01. Review status: criteria provided, single submitter. Criteria: CeGaT Center For Human Genetics Tuebingen Variant Classification Criteria Version 2. Collection method: clinical testing. Allele origin: germline. Affected: yes. Observed: 1 variant allele.
Comment: PCARE: PM2, BP1, BP4